The following is an entry in ClinVar:

ClinVar aggregate classification (germline): Uncertain significance (1 of 4 stars; one submission).

Allele frequency attached by ClinVar (database versions not stated): TOPMed below 0.00001; gnomAD 0.00001; gnomAD exomes 0.00001.
gnomAD v4.1: 12 of 1,613,384 alleles (0.00074%); highest among the groups gnomAD compares: Middle Eastern, 0.016%; no homozygotes.

Submission:

Labcorp Genetics (formerly Invitae), Labcorp
Classification: Uncertain significance. Last evaluated: 2022-06-07. Review status: criteria provided, single submitter. Criteria: Invitae Variant Classification Sherloc (09022015). Collection method: clinical testing. Allele origin: germline.
Comment: This sequence change replaces proline, which is neutral and non-polar, with leucine, which is neutral and non-polar, at codon 567 of the ANKS1B protein (p.Pro567Leu). This variant is present in population databases (no rsID available, gnomAD 0.0009%). This variant has not been reported in the literature in individuals affected with ANKS1B-related conditions. Algorithms developed to predict the effect of missense changes on protein structure and function are either unavailable or do not agree on the potential impact of this missense change (SIFT: "Deleterious"; PolyPhen-2: "Benign"; Align-GVGD: "Class C15"). In summary, the available evidence is currently insufficient to determine the role of this variant in disease. Therefore, it has been classified as a Variant of Uncertain Significance.

NM_001352186.2(ANKS1B):c.1700C>T (p.Pro567Leu)

Gene: ANKS1B (ankyrin repeat and sterile alpha motif domain containing 1B; minus strand). Cytogenetic location: 12q23.1.
Variant type: single nucleotide variant.
Coding change: c.1700C>T on transcript NM_001352186.2 (MANE Select); coding-DNA position 1700, C replaced by T.
Protein change: p.Pro567Leu; replaces proline 567 with leucine.
Molecular consequence: missense variant.
Genome position (GRCh38, 1-based): chr12:99,399,687, G>A on the plus strand (C>T on the coding strand, the complement: ANKS1B is on the minus strand). VCF-style: chr12-99399687-G-A. GRCh37 (hg19) VCF-style: chr12-99793465-G-A.
Other names: c.1700C>T, p.Pro567Leu (NM_001352185.1, NM_001352187.1, NM_001352188.1 and 1 more transcripts); short protein forms P567L.
Identifiers: ClinVar variation 1999096 (VCV001999096.4), dbSNP rs1157898211, ClinGen allele CA386242319.
Genomic context (GRCh38, chr12:99,399,687, plus strand): 5'-TTACCTGTATGGTTAGTTCCCTCATTCTTGACTTCTGTGGTTCCCACAGAAGAGGTGGGT[G>A]GACTAGCAGGAGGACTGGCAGTAAAGCTTGTGCACCCTGTAGATGTGTTGATTTCAAAAT-3'
Protein context (NP_001339115.1, residues 557-577): TSFTASPPAS[Pro567Leu]PTSSVGTTEV